The following is an entry in ClinVar:

ClinVar aggregate classification (germline): Uncertain significance (1 of 4 stars; one submission).

Allele frequency attached by ClinVar (database versions not stated): gnomAD 0.00001; TOPMed 0.00002; gnomAD exomes 0.00003; 1000 Genomes Project 30x 0.00016; 1000 Genomes Project 0.00020.
gnomAD v4.1: 36 of 1,358,418 alleles (0.0027%); highest among the groups gnomAD compares: East Asian, 0.0062%; no homozygotes.

Submission:

Ambry Genetics
Classification: Uncertain significance. Last evaluated: 2023-12-28. Review status: criteria provided, single submitter. Criteria: Ambry Variant Classification Scheme 2023. Collection method: clinical testing. Allele origin: germline.
Comment: The c.503C>T (p.S168F) alteration is located in exon (coding exon ) of the SH3RF3 gene. This alteration results from a C to T substitution at nucleotide position 503, causing the serine (S) at amino acid position 168 to be replaced by a phenylalanine (F). Based on insufficient or conflicting evidence, the clinical significance of this alteration remains unclear.

NM_001099289.3(SH3RF3):c.503C>T (p.Ser168Phe)

Genes: RANBP2 (RAN binding protein 2; plus strand), SH3RF3 (SH3 domain containing ring finger 3; plus strand), SH3RF3-AS1 (SH3RF3 antisense RNA 1; minus strand). Cytogenetic location: 2q13.
Variant type: single nucleotide variant.
Coding change: c.503C>T on transcript NM_001099289.3 (MANE Select); coding-DNA position 503, C replaced by T.
Protein change: p.Ser168Phe; replaces serine 168 with phenylalanine.
Molecular consequence: missense variant. On other transcripts: non-coding transcript variant (1).
Genome position (GRCh38, 1-based): chr2:109,130,043, C>T. VCF-style: chr2-109130043-C-T. GRCh37 (hg19) VCF-style: chr2-109746499-C-T.
Other names: short protein forms S168F.
Identifiers: ClinVar variation 3161421 (VCV003161421.1), dbSNP rs557391070, ClinGen allele CA54035589.
Genomic context (GRCh38, chr2:109,130,043, plus strand): 5'-CGCTCGCGGGCGGCGGGGGCGGCGCGGCAGGCAGCACCCCGGGTTCCCCGGTTTTCCTCT[C>T]CGCGGCCGCGGGCAGCACCGCCGGCAGTCTGCGGGAGCTGGCGACCAGCAGGACCGCGCC-3'
Protein context (NP_001092759.1, residues 158-178): GSTPGSPVFL[Ser168Phe]AAAGSTAGSL